The following is an entry in ClinVar:

ClinVar aggregate classification (germline): Uncertain significance (1 of 4 stars; one submission).

Conditions:
Mendelian susceptibility to mycobacterial diseases due to complete ISG15 deficiency. Also called: Immunodeficiency 38; Immunodeficiency 38 with basal ganglia calcification; IMMUNODEFICIENCY 38, MYCOBACTERIOSIS, AUTOSOMAL RECESSIVE; ISG15 DEFICIENCY, AUTOSOMAL RECESSIVE. Identifiers: Orphanet 319563, MedGen C4015293, MONDO:0014502, OMIM 616126.

Submission:

Labcorp Genetics (formerly Invitae), Labcorp
Classification: Uncertain significance for Immunodeficiency 38 with basal ganglia calcification. Last evaluated: 2019-06-28. Review status: criteria provided, single submitter. Criteria: Invitae Variant Classification Sherloc (09022015). Collection method: clinical testing. Allele origin: germline.
Comment: This variant results in a copy number gain of the genomic region encompassing the full coding sequence of the ISG15 gene. The boundaries of this event are unknown as they extend beyond the assayed region for this gene and therefore may encompass additional genes. As the precise location of this event is unknown, it may be in tandem or it may be located elsewhere in the genome. This variant has not been reported in the literature in individuals with ISG15-related conditions. In summary, the available evidence is currently insufficient to determine the role of this variant in disease. Therefore, it has been classified as a Variant of Uncertain Significance.

NC_000001.11:g.(?_1013554)_(1014498_?)dup

Gene: ISG15 (ISG15 ubiquitin like modifier; plus strand). Cytogenetic location: 1p36.33.
Variant type: Duplication.
Identifiers: ClinVar variation 831631 (VCV000831631.1).